The following is an entry in ClinVar:

ClinVar aggregate classification (germline): Pathogenic (1 of 4 stars; one submission).

Conditions:
Myasthenic syndrome, congenital, 22 (CMS22). Also called: PREPL DEFICIENCY. Identifiers: MedGen C4479088, MONDO:0044299, OMIM 616224.

Submission:

Labcorp Genetics (formerly Invitae), Labcorp
Classification: Pathogenic for Myasthenic syndrome, congenital, 22. Last evaluated: 2023-04-06. Review status: criteria provided, single submitter. Criteria: Invitae Variant Classification Sherloc (09022015). Collection method: clinical testing. Allele origin: germline.
Comment: For these reasons, this variant has been classified as Pathogenic. This sequence change creates a premature translational stop signal (p.Tyr506Leufs*8) in the PREPL gene. It is expected to result in an absent or disrupted protein product. Loss-of-function variants in PREPL are known to be pathogenic (PMID: 24610330, 28726805, 29913539). This variant is not present in population databases (gnomAD no frequency). This variant has not been reported in the literature in individuals affected with PREPL-related conditions.

Literature cited by the submitters: PubMed 24610330; PubMed 28726805; PubMed 29913539.

NM_001171613.2(PREPL):c.1250_1251del (p.Tyr417fs)

Gene: PREPL (prolyl endopeptidase like; minus strand). Cytogenetic location: 2p21.
Variant type: Deletion.
Coding change: c.1250_1251del on transcript NM_001171613.2 (MANE Select); coding-DNA positions 1250 to 1251, 2 bases deleted (AC; older notation c.1250_1251delAC).
Protein change: p.Tyr417fs; shifts the reading frame from tyrosine 417.
Molecular consequence: frameshift variant.
Genome position (GRCh38, 1-based): chr2:44,328,948-44,328,949, GT deleted on the plus strand (AC on the coding strand, the reverse complement: PREPL is on the minus strand). VCF-style (leftmost placement, unchanged base first): chr2-44328947-AGT-A. GRCh37 (hg19) VCF-style: chr2-44556086-AGT-A.
Other names: c.1331_1332del, p.Tyr444fs (NM_001042385.2); c.1319_1320del, p.Tyr440fs (NM_001042386.2); c.1517_1518del, p.Tyr506fs (NM_001171603.1, NM_001171606.2, NM_001374275.1 and 2 more transcripts); c.1250_1251del, p.Tyr417fs (NM_001171617.1, NM_001374277.1); short protein forms Y444fs, Y506fs, Y417fs, Y440fs.
Identifiers: ClinVar variation 2792645 (VCV002792645.3), dbSNP rs2466120526, ClinGen allele CA2739274363.